The following is an entry in ClinVar:

NM_000520.6(HEXA):c.1556T>C (p.Val519Ala)

Gene: HEXA (hexosaminidase subunit alpha; minus strand). Cytogenetic location: 15q23.
Variant type: single nucleotide variant.
Coding change: c.1556T>C on transcript NM_000520.6 (MANE Select); coding-DNA position 1556, T replaced by C.
Protein change: p.Val519Ala; replaces valine 519 with alanine.
Molecular consequence: missense variant.
Genome position (GRCh38, 1-based): chr15:72,344,111, A>G on the plus strand (T>C on the coding strand, the complement: HEXA is on the minus strand). VCF-style: chr15-72344111-A-G. GRCh37 (hg19) VCF-style: chr15-72636452-A-G.
Other names: c.1589T>C, p.Val530Ala (NM_001318825.2); short protein forms V519A, V530A.
Identifiers: ClinVar variation 2419972 (VCV002419972.5), dbSNP rs2088580697, ClinGen allele CA393057433.

ClinVar aggregate classification (germline): Uncertain significance (1 of 4 stars; one submission).

Conditions:
Tay-Sachs disease (TSD). Also called: HEXA DEFICIENCY; HEXA Disorders; GM2 gangliosidosis, type 1; Hexosaminidase alpha-subunit deficiency (variant B); Sphingolipidosis, Tay-Sachs; Hexosaminidase A Deficiency. Identifiers: Orphanet 845, MedGen C0039373, MONDO:0010100, OMIM 272800.

gnomAD v4.1: 2 of 1,613,910 alleles (0.00012%); highest among the groups gnomAD compares: African/African-American, 0.0013%; no homozygotes.

Submission:

Labcorp Genetics (formerly Invitae), Labcorp
Classification: Uncertain significance for Tay-Sachs disease. Last evaluated: 2022-05-21. Review status: criteria provided, single submitter. Criteria: Invitae Variant Classification Sherloc (09022015). Collection method: clinical testing. Allele origin: germline.
Comment: In summary, the available evidence is currently insufficient to determine the role of this variant in disease. Therefore, it has been classified as a Variant of Uncertain Significance. Algorithms developed to predict the effect of missense changes on protein structure and function are either unavailable or do not agree on the potential impact of this missense change (SIFT: "Tolerated"; PolyPhen-2: "Possibly Damaging"; Align-GVGD: "Class C0"). This variant has not been reported in the literature in individuals affected with HEXA-related conditions. This variant is not present in population databases (gnomAD no frequency). This sequence change replaces valine, which is neutral and non-polar, with alanine, which is neutral and non-polar, at codon 519 of the HEXA protein (p.Val519Ala).